The following is an entry in ClinVar:

Deletion of exons 2 and 3, amino acids 44-379

Gene: SLC52A1 (solute carrier family 52 member 1; minus strand). Cytogenetic location: 17p13.2.
Variant type: Deletion.
Identifiers: ClinVar variation 210044 (VCV000210044.1).

ClinVar aggregate classification (germline): Pathogenic (0 of 4 stars; one submission).

Conditions:
Maternal riboflavin deficiency. Identifiers: Orphanet 411712, MedGen C4750953, MONDO:0014013.

Submission:

GeneReviews
Classification: Pathogenic for Riboflavin deficiency. Last evaluated: 2015-03-17. Review status: no assertion criteria provided. Collection method: literature only. Allele origin: germline. Affected: yes.
Comment: Deletion determined by RT-PCR

Literature cited by the submitters: PubMed 21089064.